The following is an entry in ClinVar:

NM_016729.3(FOLR1):c.357+18C>A

Genes: FOLR1-AS1 (FOLR1 antisense RNA 1; minus strand), FOLR1 (folate receptor alpha; plus strand). Cytogenetic location: 11q13.4.
Variant type: single nucleotide variant.
Coding change: c.357+18C>A on transcript NM_016729.3 (MANE Select); 18 bases into the intron after coding-DNA position 357, C replaced by A.
Molecular consequence: intron variant.
Genome position (GRCh38, 1-based): chr11:72,195,477, C>A. VCF-style: chr11-72195477-C-A. GRCh37 (hg19) VCF-style: chr11-71906521-C-A.
Other names: c.357+18C>A (NM_016724.3, NM_016725.3, NM_000802.3).
Identifiers: ClinVar variation 388516 (VCV000388516.9), dbSNP rs754798966, ClinGen allele CA6169158.

ClinVar aggregate classification (germline): Likely benign. Review status: criteria provided, multiple submitters, no conflicts (2 of 4 stars). 2 submissions from 2 submitters: Likely benign (2). Last evaluated 2025-12-16.

Conditions:
Cerebral folate transport deficiency. Also called: Neurodegenerative syndrome due to cerebral folate transport deficiency; NEURODEGENERATION DUE TO CEREBRAL FOLATE TRANSPORT DEFICIENCY; FOLR1-Related Cerebral Folate Transport Deficiency; FOLATE RECEPTOR DEFICIENCY; Cerebral folate deficiency syndrome. Identifiers: Orphanet 217382, MedGen C2751584, MONDO:0013110, OMIM 613068. Disease mechanism: loss of function.

Allele frequency attached by ClinVar (database versions not stated): gnomAD exomes 0.00001 and 0.00004; ExAC 0.00003; gnomAD 0.00015; TOPMed 0.00018.
gnomAD v4.1: 31 of 1,613,978 alleles (0.0019%); highest among the groups gnomAD compares: African/African-American, 0.04%; no homozygotes.

Submissions (2):

Labcorp Genetics (formerly Invitae), Labcorp
Classification: Likely benign for Cerebral folate transport deficiency. Last evaluated: 2025-12-16. Review status: criteria provided, single submitter. Criteria: Invitae Variant Classification Sherloc (09022015). Collection method: clinical testing. Allele origin: germline.

GeneDx
Classification: Likely benign. Last evaluated: 2017-06-20. Review status: criteria provided, single submitter. Criteria: GeneDx Variant Classification (06012015). Collection method: clinical testing. Allele origin: germline. Affected: yes.
Comment: This variant is considered likely benign or benign based on one or more of the following criteria: it is a conservative change, it occurs at a poorly conserved position in the protein, it is predicted to be benign by multiple in silico algorithms, and/or has population frequency not consistent with disease.